The following is an entry in ClinVar:

NM_001127178.3(PIGG):c.1081C>G (p.Leu361Val)

Gene: PIGG (phosphatidylinositol glycan anchor biosynthesis class G (EMM blood group); plus strand). Cytogenetic location: 4p16.3.
Variant type: single nucleotide variant.
Coding change: c.1081C>G on transcript NM_001127178.3 (MANE Select); coding-DNA position 1081, C replaced by G.
Protein change: p.Leu361Val; replaces leucine 361 with valine.
Molecular consequence: missense variant. On other transcripts: 5 prime UTR variant (3), non-coding transcript variant (10).
Genome position (GRCh38, 1-based): chr4:516,152, C>G. VCF-style: chr4-516152-C-G. GRCh37 (hg19) VCF-style: chr4-509941-C-G.
Other names: c.814C>G, p.Leu272Val (NM_001289051.2, NM_001289053.2, NM_001289057.2 and 2 more transcripts); c.682C>G, p.Leu228Val (NM_001289052.2); c.715C>G, p.Leu239Val (NM_001289055.2); c.52C>G, p.Leu18Val (NM_001345988.2); c.1081C>G, p.Leu361Val (NM_001345989.2, NM_017733.5); c.-545C>G (NM_001345990.2); c.-407C>G (NM_001345991.2); c.-132C>G (NM_001345994.2); short protein forms L228V, L361V, L18V, L272V, L239V.
Identifiers: ClinVar variation 2051868 (VCV002051868.4), dbSNP rs2474769134, ClinGen allele CA355902265.

ClinVar aggregate classification (germline): Uncertain significance (1 of 4 stars; one submission).

Conditions:
Intellectual disability, autosomal recessive 53 (NEDHSCA). Also called: GLYCOSYLPHOSPHATIDYLINOSITOL BIOSYNTHESIS DEFECT 13; NEURODEVELOPMENTAL DISORDER WITH OR WITHOUT HYPOTONIA, SEIZURES, AND CEREBELLAR ATROPHY; Mental retardation, autosomal recessive 53. Identifiers: Orphanet 488635, MedGen C4310794, MONDO:0014832, OMIM 616917.

Submission:

Labcorp Genetics (formerly Invitae), Labcorp
Classification: Uncertain significance for Intellectual disability, autosomal recessive 53. Last evaluated: 2022-09-23. Review status: criteria provided, single submitter. Criteria: Invitae Variant Classification Sherloc (09022015). Collection method: clinical testing. Allele origin: germline.
Comment: In summary, the available evidence is currently insufficient to determine the role of this variant in disease. Therefore, it has been classified as a Variant of Uncertain Significance. Advanced modeling of protein sequence and biophysical properties (such as structural, functional, and spatial information, amino acid conservation, physicochemical variation, residue mobility, and thermodynamic stability) performed at Invitae indicates that this missense variant is not expected to disrupt PIGG protein function. This variant has not been reported in the literature in individuals affected with PIGG-related conditions. This variant is not present in population databases (gnomAD no frequency). This sequence change replaces leucine, which is neutral and non-polar, with valine, which is neutral and non-polar, at codon 361 of the PIGG protein (p.Leu361Val).